The following is an entry in ClinVar:

NM_003235.5(TG):c.199G>A (p.Gly67Ser)

Gene: TG (thyroglobulin; plus strand). Cytogenetic location: 8q24.22.
Variant type: single nucleotide variant.
Coding change: c.199G>A on transcript NM_003235.5 (MANE Select); coding-DNA position 199, G replaced by A.
Protein change: p.Gly67Ser; replaces glycine 67 with serine.
Molecular consequence: missense variant.
Genome position (GRCh38, 1-based): chr8:132,869,751, G>A. VCF-style: chr8-132869751-G-A. GRCh37 (hg19) VCF-style: chr8-133881996-G-A.
Other names: short protein forms G67S.
Identifiers: ClinVar variation 781146 (VCV000781146.41), dbSNP rs116340633, ClinGen allele CA4882826.

ClinVar aggregate classification (germline): Conflicting classifications of pathogenicity. Review status: criteria provided, conflicting classifications (1 of 4 stars). 5 submissions from 5 submitters: Uncertain significance (1); Benign (1); Likely benign (3). Last evaluated 2026-07-01.

Conditions:
Iodotyrosyl coupling defect (TDH3). Also called: HYPOTHYROIDISM, CONGENITAL, DUE TO DYSHORMONOGENESIS, 3; THYROID HORMONOGENESIS, GENETIC DEFECT IN, 3. Identifiers: Orphanet 95716, MedGen C0342194, MONDO:0010135, OMIM 274700.

Allele frequency attached by ClinVar (database versions not stated): 1000 Genomes Project 30x 0.00515; 1000 Genomes Project 0.00519; gnomAD exomes 0.00760; ExAC 0.00794; TOPMed 0.00813; gnomAD 0.00871 and 0.00924; ESP Exome Variant Server 0.01023.
gnomAD v4.1: 14,190 of 1,614,130 alleles (0.88%); highest among the groups gnomAD compares: Non-Finnish European, 0.98%; 79 homozygotes.

Submissions (5):

CeGaT Center for Human Genetics Tuebingen
Classification: Likely benign. Last evaluated: 2026-07-01. Review status: criteria provided, single submitter. Criteria: CeGaT Center For Human Genetics Tuebingen Variant Classification Criteria Version 2. Collection method: clinical testing. Allele origin: germline. Affected: yes. Observed: 6 variant alleles.
Comment: TG: BP4, BS2

Labcorp Genetics (formerly Invitae), Labcorp
Classification: Benign. Last evaluated: 2026-01-24. Review status: criteria provided, single submitter. Criteria: Invitae Variant Classification Sherloc (09022015). Collection method: clinical testing. Allele origin: germline.

Blueprint Genetics
Classification: Likely benign. Last evaluated: 2024-11-27. Review status: criteria provided, single submitter. Criteria: ACMG Guidelines, 2015. Collection method: clinical testing. Allele origin: germline.

GeneDx
Classification: Likely benign. Last evaluated: 2020-11-08. Review status: criteria provided, single submitter. Criteria: GeneDx Variant Classification Process June 2021. Collection method: clinical testing. Allele origin: germline. Affected: yes.
Comment: See Variant Classification Assertion Criteria.

Illumina Laboratory Services, Illumina
Classification: Uncertain significance for Iodotyrosyl coupling defect. Last evaluated: 2018-01-12. Review status: criteria provided, single submitter. Criteria: ICSL Variant Classification Criteria 13 December 2019. Collection method: clinical testing. Allele origin: germline.